The following is an entry in ClinVar:

ClinVar aggregate classification (germline): Uncertain significance (1 of 4 stars; one submission).

Conditions:
Spondylodysplastic Ehlers-Danlos syndrome. Identifiers: Orphanet 536471, Orphanet 75496, MedGen C5680154, MONDO:0007526.

Submission:

Labcorp Genetics (formerly Invitae), Labcorp
Classification: Uncertain significance for Spondylodysplastic Ehlers-Danlos syndrome. Last evaluated: 2021-09-24. Review status: criteria provided, single submitter. Criteria: Invitae Variant Classification Sherloc (09022015). Collection method: clinical testing. Allele origin: germline.
Comment: This sequence change replaces valine with methionine at codon 134 of the B4GALT7 protein (p.Val134Met). The valine residue is moderately conserved and there is a small physicochemical difference between valine and methionine. This variant is not present in population databases (ExAC no frequency). This variant has not been reported in the literature in individuals with B4GALT7-related conditions. Algorithms developed to predict the effect of missense changes on protein structure and function are either unavailable or do not agree on the potential impact of this missense change (SIFT: "Deleterious"; PolyPhen-2: "Possibly Damaging"; Align-GVGD: "Class C0"). In summary, the available evidence is currently insufficient to determine the role of this variant in disease. Therefore, it has been classified as a Variant of Uncertain Significance.

NM_007255.3(B4GALT7):c.400G>A (p.Val134Met)

Gene: B4GALT7 (beta-1,4-galactosyltransferase 7; plus strand). Cytogenetic location: 5q35.3.
Variant type: single nucleotide variant.
Coding change: c.400G>A on transcript NM_007255.3 (MANE Select); coding-DNA position 400, G replaced by A.
Protein change: p.Val134Met; replaces valine 134 with methionine.
Molecular consequence: missense variant.
Genome position (GRCh38, 1-based): chr5:177,604,528, G>A. VCF-style: chr5-177604528-G-A. GRCh37 (hg19) VCF-style: chr5-177031529-G-A.
Other names: short protein forms V134M.
Identifiers: ClinVar variation 1362437 (VCV001362437.5), dbSNP rs2127511771, ClinGen allele CA362374396.